The following is an entry in ClinVar:

NM_003738.5(PTCH2):c.1477G>A (p.Glu493Lys)

Gene: PTCH2 (patched 2; minus strand). Cytogenetic location: 1p34.1.
Variant type: single nucleotide variant.
Coding change: c.1477G>A on transcript NM_003738.5 (MANE Select); coding-DNA position 1477, G replaced by A.
Protein change: p.Glu493Lys; replaces glutamic acid 493 with lysine.
Molecular consequence: missense variant.
Genome position (GRCh38, 1-based): chr1:44,828,619, C>T on the plus strand (G>A on the coding strand, the complement: PTCH2 is on the minus strand). VCF-style: chr1-44828619-C-T. GRCh37 (hg19) VCF-style: chr1-45294291-C-T.
Other names: c.1477G>A, p.Glu493Lys (NM_001166292.2); short protein forms E493K.
Identifiers: ClinVar variation 696860 (VCV000696860.12), dbSNP rs11573581, ClinGen allele CA823291.

ClinVar aggregate classification (germline): Likely benign. Review status: criteria provided, single submitter (1 of 4 stars). 2 submissions from 2 submitters: Likely benign (1). 1 of the submissions does not count toward it. Last evaluated 2025-07-31.

Conditions:
PTCH2-related disorder. Also called: PTCH2-related condition; PTCH2-related disease.
Gorlin syndrome. Also called: Nevoid Basal Cell Carcinoma Syndrome; Basal cell nevus syndrome. Identifiers: Orphanet 377, MedGen C0004779, MONDO:0007187.

Allele frequency attached by ClinVar (database versions not stated): 1000 Genomes Project 0.00060; TOPMed 0.00067; ESP Exome Variant Server 0.00069; 1000 Genomes Project 30x 0.00078.
gnomAD v4.1: 225 of 1,612,652 alleles (0.014%); highest among the groups gnomAD compares: African/African-American, 0.24%; 2 homozygotes.

Submissions (2):

Labcorp Genetics (formerly Invitae), Labcorp
Classification: Likely benign for Gorlin syndrome. Last evaluated: 2025-07-31. Review status: criteria provided, single submitter. Criteria: Invitae Variant Classification Sherloc (09022015). Collection method: clinical testing. Allele origin: germline.

PreventionGenetics, part of Exact Sciences
Classification: Likely benign for PTCH2-related condition. Last evaluated: 2022-02-05. Review status: no assertion criteria provided. Collection method: clinical testing. Allele origin: germline. Not counted in ClinVar's aggregate classification.
Comment: This variant is classified as likely benign based on ACMG/AMP sequence variant interpretation guidelines (Richards et al. 2015 PMID: 25741868, with internal and published modifications).